The following is an entry in ClinVar:

NM_001347721.2(DYRK1A):c.187C>G (p.Gln63Glu)

Gene: DYRK1A (dual specificity tyrosine phosphorylation regulated kinase 1A; plus strand). Cytogenetic location: 21q22.13.
Variant type: single nucleotide variant.
Coding change: c.187C>G on transcript NM_001347721.2 (MANE Select); coding-DNA position 187, C replaced by G.
Protein change: p.Gln63Glu; replaces glutamine 63 with glutamic acid.
Molecular consequence: missense variant.
Genome position (GRCh38, 1-based): chr21:37,472,860, C>G. VCF-style: chr21-37472860-C-G. GRCh37 (hg19) VCF-style: chr21-38845162-C-G.
Other names: c.187C>G, p.Gln63Glu (NM_001347722.2, NM_001396.5, NM_101395.2 and 2 more transcripts); c.100C>G, p.Gln34Glu (NM_001347723.2); short protein forms Q63E, Q34E.
Identifiers: ClinVar variation 450805 (VCV000450805.12), dbSNP rs373178770, ClinGen allele CA409942689.

ClinVar aggregate classification (germline): Uncertain significance. Review status: criteria provided, multiple submitters, no conflicts (2 of 4 stars). 3 submissions from 3 submitters: Uncertain significance (3). Last evaluated 2024-05-08.

Conditions:
DYRK1A-related intellectual disability syndrome (MRD7). Also called: DYRK1A Syndrome; Intellectual developmental disorder, autosomal dominant 7. Identifiers: Orphanet 464306, MedGen C5568143, MONDO:0013578, OMIM 614104.

Allele frequency attached by ClinVar (database versions not stated): TOPMed below 0.00001; gnomAD 0.00001.
gnomAD v4.1: 1 of 1,585,250 alleles (0.000063%); highest among the groups gnomAD compares: African/African-American, 0.0013%; no homozygotes.

Submissions (3):

GeneDx
Classification: Uncertain significance. Last evaluated: 2024-05-08. Review status: criteria provided, single submitter. Criteria: GeneDx Variant Classification Process June 2021. Collection method: clinical testing. Allele origin: germline. Affected: yes.
Comment: Not observed at significant frequency in large population cohorts (gnomAD); In silico analysis indicates that this missense variant does not alter protein structure/function; Has not been previously published as pathogenic or benign to our knowledge

Labcorp Genetics (formerly Invitae), Labcorp
Classification: Uncertain significance for DYRK1A-related intellectual disability syndrome. Last evaluated: 2024-02-17. Review status: criteria provided, single submitter. Criteria: Invitae Variant Classification Sherloc (09022015). Collection method: clinical testing. Allele origin: germline.
Comment: This sequence change replaces glutamine, which is neutral and polar, with glutamic acid, which is acidic and polar, at codon 63 of the DYRK1A protein (p.Gln63Glu). This variant is not present in population databases (gnomAD no frequency). This variant has not been reported in the literature in individuals affected with DYRK1A-related conditions. ClinVar contains an entry for this variant (Variation ID: 450805). Advanced modeling of protein sequence and biophysical properties (such as structural, functional, and spatial information, amino acid conservation, physicochemical variation, residue mobility, and thermodynamic stability) performed at Invitae indicates that this missense variant is not expected to disrupt DYRK1A protein function with a negative predictive value of 95%. In summary, the available evidence is currently insufficient to determine the role of this variant in disease. Therefore, it has been classified as a Variant of Uncertain Significance.

Blueprint Genetics
Classification: Uncertain significance. Last evaluated: 2020-07-04. Review status: criteria provided, single submitter. Criteria: ACMG Guidelines, 2015. Collection method: clinical testing. Allele origin: germline.